The following is an entry in ClinVar:

ClinVar aggregate classification (germline): Uncertain significance (1 of 4 stars; one submission).

Conditions:
Hereditary cancer-predisposing syndrome. Also called: Hereditary Cancer Syndrome; Neoplastic Syndromes, Hereditary; Tumor predisposition; Hereditary neoplastic syndrome. Identifiers: Orphanet 140162, MedGen C0027672, MeSH D009386, MONDO:0015356.

Submission:

Ambry Genetics
Classification: Uncertain significance for Hereditary cancer-predisposing syndrome. Last evaluated: 2026-08-17. Review status: criteria provided, single submitter. Criteria: Ambry Variant Classification Scheme 2023. Collection method: clinical testing. Allele origin: germline.
Comment: The p.L1169R variant (also known as c.3506T>G), located in coding exon 22 of the ALK gene, results from a T to G substitution at nucleotide position 3506. The leucine at codon 1169 is replaced by arginine, an amino acid with dissimilar properties. This amino acid position is conserved. In addition, this alteration is predicted to be deleterious by in silico analysis. Based on the available evidence, the clinical significance of this variant remains unclear.

NM_004304.5(ALK):c.3506T>G (p.Leu1169Arg)

Gene: ALK (ALK receptor tyrosine kinase; minus strand). Cytogenetic location: 2p23.2.
Variant type: single nucleotide variant.
Coding change: c.3506T>G on transcript NM_004304.5 (MANE Select); coding-DNA position 3506, T replaced by G.
Protein change: p.Leu1169Arg; replaces leucine 1169 with arginine.
Molecular consequence: missense variant.
Genome position (GRCh38, 1-based): chr2:29,222,353, A>C on the plus strand (T>G on the coding strand, the complement: ALK is on the minus strand). VCF-style: chr2-29222353-A-C. GRCh37 (hg19) VCF-style: chr2-29445219-A-C.
Other names: c.302T>G, p.Leu101Arg (NM_001353765.2); short protein forms L101R, L1169R.
Identifiers: ClinVar variation 5035573 (VCV005035573.1).